The following is an entry in ClinVar:

ClinVar aggregate classification (germline): Uncertain significance (1 of 4 stars; one submission).

Conditions:
Nicolaides-Baraitser syndrome (NCBRS). Also called: SMARCA2-Related Nicolaides-Baraitser Syndrome; Intellectual disability-sparse hair-brachydactyly syndrome. Identifiers: Orphanet 3051, MedGen C1303073, MONDO:0011053, OMIM 601358.

Allele frequency attached by ClinVar (database versions not stated): gnomAD exomes below 0.00001.
gnomAD v4.1: 2 of 1,613,922 alleles (0.00012%); highest among the groups gnomAD compares: East Asian, 0.0022%; no homozygotes.

Submission:

Baylor Genetics
Classification: Uncertain significance for Nicolaides-Baraitser syndrome. Last evaluated: 2018-07-21. Review status: criteria provided, single submitter. Criteria: ACMG Guidelines, 2015. Collection method: clinical testing. Allele origin: maternal. Affected: yes.
Comment: This variant was determined to be of uncertain significance according to ACMG Guidelines, 2015 [PMID:25741868].

NM_003070.5(SMARCA2):c.274G>A (p.Gly92Arg)

Gene: SMARCA2 (SWI/SNF related BAF chromatin remodeling complex subunit ATPase 2; plus strand). Cytogenetic location: 9p24.3.
Variant type: single nucleotide variant.
Coding change: c.274G>A on transcript NM_003070.5 (MANE Select); coding-DNA position 274, G replaced by A.
Protein change: p.Gly92Arg; replaces glycine 92 with arginine.
Molecular consequence: missense variant.
Genome position (GRCh38, 1-based): chr9:2,033,000, G>A. VCF-style: chr9-2033000-G-A. GRCh37 (hg19) VCF-style: chr9-2033000-G-A.
Other names: c.274G>A, p.Gly92Arg (NM_001289396.2, NM_001289397.2, NM_139045.4); short protein forms G92R.
Identifiers: ClinVar variation 1032870 (VCV001032870.1), dbSNP rs1316406047, ClinGen allele CA372779549.